The following is an entry in ClinVar:

ClinVar aggregate classification (germline): Uncertain significance (1 of 4 stars; one submission).

Conditions:
Early Myoclonic Encephalopathy. Identifiers: MedGen C0270855.

Allele frequency attached by ClinVar (database versions not stated): gnomAD exomes below 0.00001.
gnomAD v4.1: 2 of 1,613,904 alleles (0.00012%); highest among the groups gnomAD compares: Non-Finnish European, 0.00017%; no homozygotes.

Submission:

Labcorp Genetics (formerly Invitae), Labcorp
Classification: Uncertain significance for Early Myoclonic Encephalopathy. Last evaluated: 2022-05-19. Review status: criteria provided, single submitter. Criteria: Invitae Variant Classification Sherloc (09022015). Collection method: clinical testing. Allele origin: germline.
Comment: In summary, the available evidence is currently insufficient to determine the role of this variant in disease. Therefore, it has been classified as a Variant of Uncertain Significance. Algorithms developed to predict the effect of missense changes on protein structure and function are either unavailable or do not agree on the potential impact of this missense change (SIFT: "Deleterious"; PolyPhen-2: "Probably Damaging"; Align-GVGD: "Class C0"). This variant has not been reported in the literature in individuals affected with JMJD1C-related conditions. This variant is not present in population databases (gnomAD no frequency). This sequence change replaces histidine, which is basic and polar, with tyrosine, which is neutral and polar, at codon 780 of the JMJD1C protein (p.His780Tyr).

NM_032776.3(JMJD1C):c.2338C>T (p.His780Tyr)

Gene: JMJD1C (jumonji domain containing 1C; minus strand). Cytogenetic location: 10q21.3.
Variant type: single nucleotide variant.
Coding change: c.2338C>T on transcript NM_032776.3 (MANE Select); coding-DNA position 2338, C replaced by T.
Protein change: p.His780Tyr; replaces histidine 780 with tyrosine.
Molecular consequence: missense variant. On other transcripts: non-coding transcript variant (1).
Genome position (GRCh38, 1-based): chr10:63,213,829, G>A on the plus strand (C>T on the coding strand, the complement: JMJD1C is on the minus strand). VCF-style: chr10-63213829-G-A. GRCh37 (hg19) VCF-style: chr10-64973589-G-A.
Other names: c.1792C>T, p.His598Tyr (NM_001282948.2, NM_001318154.2); c.1474C>T, p.His492Tyr (NM_001318153.2); c.2224C>T, p.His742Tyr (NM_001322252.2); c.1681C>T, p.His561Tyr (NM_001322254.2, NM_001322258.2); short protein forms H780Y, H561Y, H742Y, H492Y, H598Y.
Identifiers: ClinVar variation 1515431 (VCV001515431.8), dbSNP rs2133215232, ClinGen allele CA377045320.